The following is an entry in ClinVar:

ClinVar aggregate classification (germline): Pathogenic (1 of 4 stars; one submission).

Allele frequency attached by ClinVar (database versions not stated): gnomAD 0.00001; gnomAD exomes 0.00001.

Submission:

Labcorp Genetics (formerly Invitae), Labcorp
Classification: Pathogenic. Last evaluated: 2023-01-20. Review status: criteria provided, single submitter. Criteria: Invitae Variant Classification Sherloc (09022015). Collection method: clinical testing. Allele origin: germline.
Comment: For these reasons, this variant has been classified as Pathogenic. This variant has not been reported in the literature in individuals affected with AAAS-related conditions. This variant is not present in population databases (gnomAD no frequency). This sequence change creates a premature translational stop signal (p.Val238Cysfs*53) in the AAAS gene. It is expected to result in an absent or disrupted protein product. Loss-of-function variants in AAAS are known to be pathogenic (PMID: 11159947).

Literature cited by the submitters: PubMed 11159947.

NM_015665.6(AAAS):c.712del (p.Val238fs)

Gene: AAAS (aladin WD repeat nucleoporin; minus strand). Cytogenetic location: 12q13.13.
Variant type: Deletion.
Coding change: c.712del on transcript NM_015665.6 (MANE Select); coding-DNA position 712, one base deleted (G; older notation c.712delG).
Protein change: p.Val238fs; shifts the reading frame from valine 238.
Molecular consequence: frameshift variant.
Genome position (GRCh38, 1-based): chr12:53,309,699, C deleted on the plus strand (G on the coding strand, the reverse complement: AAAS is on the minus strand). VCF-style (leftmost placement, unchanged base first): chr12-53309698-AC-A. GRCh37 (hg19) VCF-style: chr12-53703482-AC-A.
Other names: c.613del, p.Val205fs (NM_001173466.2); short protein forms V238fs, V205fs.
Identifiers: ClinVar variation 2830499 (VCV002830499.3), dbSNP rs1944356405, ClinGen allele CA947767176.